The following is an entry in ClinVar:

ClinVar aggregate classification (germline): Uncertain significance. Review status: criteria provided, multiple submitters, no conflicts (2 of 4 stars). 2 submissions from 2 submitters: Uncertain significance (2). Last evaluated 2025-07-03.

Conditions:
Inborn genetic diseases. Identifiers: MedGen C0950123, MeSH D030342.

Allele frequency attached by ClinVar (database versions not stated): gnomAD exomes 0.00001; TOPMed 0.00002; gnomAD 0.00003; ESP Exome Variant Server 0.00008.
gnomAD v4.1: 25 of 1,613,874 alleles (0.0015%); highest among the groups gnomAD compares: African/African-American, 0.004%; no homozygotes.

Submissions (2):

Ambry Genetics
Classification: Uncertain significance for Inborn genetic diseases. Last evaluated: 2025-07-03. Review status: criteria provided, single submitter. Criteria: Ambry Variant Classification Scheme 2023. Collection method: clinical testing. Allele origin: germline.

Labcorp Genetics (formerly Invitae), Labcorp
Classification: Uncertain significance. Last evaluated: 2023-12-27. Review status: criteria provided, single submitter. Criteria: Invitae Variant Classification Sherloc (09022015). Collection method: clinical testing. Allele origin: germline.
Comment: This sequence change replaces tyrosine, which is neutral and polar, with cysteine, which is neutral and slightly polar, at codon 194 of the CASQ1 protein (p.Tyr194Cys). This variant is present in population databases (rs367622550, gnomAD 0.004%). This variant has not been reported in the literature in individuals affected with CASQ1-related conditions. ClinVar contains an entry for this variant (Variation ID: 1912292). Advanced modeling of protein sequence and biophysical properties (such as structural, functional, and spatial information, amino acid conservation, physicochemical variation, residue mobility, and thermodynamic stability) performed at Invitae indicates that this missense variant is not expected to disrupt CASQ1 protein function with a negative predictive value of 80%. In summary, the available evidence is currently insufficient to determine the role of this variant in disease. Therefore, it has been classified as a Variant of Uncertain Significance.

NM_001231.5(CASQ1):c.581A>G (p.Tyr194Cys)

Gene: CASQ1 (calsequestrin 1; plus strand). Cytogenetic location: 1q23.2.
Variant type: single nucleotide variant.
Coding change: c.581A>G on transcript NM_001231.5 (MANE Select); coding-DNA position 581, A replaced by G.
Protein change: p.Tyr194Cys; replaces tyrosine 194 with cysteine.
Molecular consequence: missense variant.
Genome position (GRCh38, 1-based): chr1:160,195,464, A>G. VCF-style: chr1-160195464-A-G. GRCh37 (hg19) VCF-style: chr1-160165254-A-G.
Other names: c.581A>G (NM_001231.4); short protein forms Y194C.
Identifiers: ClinVar variation 1912292 (VCV001912292.6), dbSNP rs367622550, ClinGen allele CA31497644.
Genomic context (GRCh38, chr1:160,195,464, plus strand): 5'-TGATTCCCGGGCAGACCCTGGTTTCCCCAGAGACTGACTCTGCATTCCACCCCCCAGATT[A>G]CAAAGCCTTCGAGGATGCAGCTGAGGAGTTTCATCCCTACATCCCCTTCTTCGCCACCTT-3'
Protein context (NP_001222.3, residues 184-204): GYFKSKDSEH[Tyr194Cys]KAFEDAAEEF